The following is an entry in ClinVar:

ClinVar aggregate classification (germline): Uncertain significance (1 of 4 stars; one submission).

Submission:

GeneDx
Classification: Uncertain significance. Last evaluated: 2024-12-14. Review status: criteria provided, single submitter. Criteria: GeneDx Variant Classification Process June 2021. Collection method: clinical testing. Allele origin: germline. Affected: yes.
Comment: Not observed at significant frequency in large population cohorts (gnomAD); In silico analysis indicates that this missense variant does not alter protein structure/function; Has not been previously published as pathogenic or benign to our knowledge

NM_005120.3(MED12):c.4030A>G (p.Ile1344Val)

Gene: MED12 (mediator complex subunit 12; plus strand). Cytogenetic location: Xq13.1.
Variant type: single nucleotide variant.
Coding change: c.4030A>G on transcript NM_005120.3 (MANE Select); coding-DNA position 4030, A replaced by G.
Protein change: p.Ile1344Val; replaces isoleucine 1344 with valine.
Molecular consequence: missense variant.
Genome position (GRCh38, 1-based): chrX:71,130,197, A>G. VCF-style: chrX-71130197-A-G. GRCh37 (hg19) VCF-style: chrX-70350047-A-G.
Other names: short protein forms I1344V.
Identifiers: ClinVar variation 3903048 (VCV003903048.1).